The following is an entry in ClinVar:

ClinVar aggregate classification (germline): Benign/Likely benign. Review status: criteria provided, multiple submitters, no conflicts (2 of 4 stars). 5 submissions from 4 submitters: Benign (2); Likely benign (3). Last evaluated 2026-01-07.

Conditions:
VCAN-related disorder. Also called: VCAN-related condition.
Wagner disease. Also called: Wagner Vitreoretinal Degeneration (Wagner Synrdome); WAGNER SYNDROME 1; HYALOIDEORETINAL DEGENERATION OF WAGNER; Wagner syndrome; WAGNER VITREORETINAL DEGENERATION; WAGNER VITREORETINOPATHY. Identifiers: Orphanet 898, MedGen C1840452, MONDO:0007740, OMIM 143200.
Vitreoretinopathy. Also called: Vitreoretinal degeneration. Identifiers: MedGen C0344290, MONDO:0020248, HP:0007773.

Allele frequency attached by ClinVar (database versions not stated): gnomAD exomes 0.00002 and 0.00006; TOPMed 0.00003; ExAC 0.00005.
gnomAD v4.1: 35 of 1,614,190 alleles (0.0022%); highest among the groups gnomAD compares: East Asian, 0.078%; no homozygotes.

Submissions (5):

PreventionGenetics, part of Exact Sciences
Classification: Likely benign for VCAN-related condition. Last evaluated: 2026-01-07. Review status: criteria provided, single submitter. Criteria: ACMG Guidelines, 2015. Collection method: clinical testing. Allele origin: germline.
Comment: This variant is classified as likely benign based on ACMG/AMP sequence variant interpretation guidelines (Richards et al. 2015 PMID: 25741868, with internal and published modifications).

Labcorp Genetics (formerly Invitae), Labcorp
Classification: Likely benign. Last evaluated: 2025-04-02. Review status: criteria provided, single submitter. Criteria: Invitae Variant Classification Sherloc (09022015). Collection method: clinical testing. Allele origin: germline.

Blueprint Genetics
Classification: Likely benign. Last evaluated: 2024-08-29. Review status: criteria provided, single submitter. Criteria: ACMG Guidelines, 2015. Collection method: clinical testing. Allele origin: germline.

Illumina Laboratory Services, Illumina
Classification: Benign for Vitreoretinopathy. Last evaluated: 2018-01-12. Review status: criteria provided, single submitter. Criteria: ICSL Variant Classification Criteria 13 December 2019. Collection method: clinical testing. Allele origin: germline.
Comment: This variant was observed in the ICSL laboratory as part of a predisposition screen in an ostensibly healthy population. It had not been previously curated by ICSL or reported in the Human Gene Mutation Database (HGMD: prior to June 1st, 2018), and was therefore a candidate for classification through an automated scoring system. Utilizing variant allele frequency, disease prevalence and penetrance estimates, and inheritance mode, an automated score was calculated to assess if this variant is too frequent to cause the disease. Based on the score and internal cut-off values, a variant classified as benign is not then subjected to further curation. The score for this variant resulted in a classification of benign for this disease.

Illumina Laboratory Services, Illumina
Classification: Benign for Wagner disease. Last evaluated: 2018-01-12. Review status: criteria provided, single submitter. Criteria: ICSL Variant Classification Criteria 13 December 2019. Collection method: clinical testing. Allele origin: germline.
Comment: the same text as in the submission from Illumina Laboratory Services, Illumina above.

NM_004385.5(VCAN):c.329T>G (p.Val110Gly)

Gene: VCAN (versican; plus strand). Cytogenetic location: 5q14.2.
Variant type: single nucleotide variant.
Coding change: c.329T>G on transcript NM_004385.5 (MANE Select); coding-DNA position 329, T replaced by G.
Protein change: p.Val110Gly; replaces valine 110 with glycine.
Molecular consequence: missense variant.
Genome position (GRCh38, 1-based): chr5:83,490,356, T>G. VCF-style: chr5-83490356-T-G. GRCh37 (hg19) VCF-style: chr5-82786175-T-G.
Other names: c.329T>G, p.Val110Gly (NM_001126336.3, NM_001164097.2, NM_001164098.2); short protein forms V110G.
Identifiers: ClinVar variation 906079 (VCV000906079.14), dbSNP rs750836310, ClinGen allele CA3332424.